The following is an entry in ClinVar:

NM_033056.4(PCDH15):c.4797G>C (p.Gln1599His)

Gene: PCDH15 (protocadherin related 15; minus strand). Cytogenetic location: 10q21.1.
Variant type: single nucleotide variant.
Coding change: c.4797G>C on transcript NM_033056.4 (MANE Plus Clinical); coding-DNA position 4797, G replaced by C.
Protein change: p.Gln1599His; replaces glutamine 1599 with histidine.
Molecular consequence: missense variant. On other transcripts: intron variant (8).
Genome position (GRCh38, 1-based): chr10:53,822,929, C>G on the plus strand (G>C on the coding strand, the complement: PCDH15 is on the minus strand). VCF-style: chr10-53822929-C-G. GRCh37 (hg19) VCF-style: chr10-55582689-C-G.
Other names: c.4367+4464G>C (NM_001354420.2, NM_001354429.2); c.4368-2699G>C (NM_001384140.1); c.4373+2207G>C (NM_001142772.2, NM_001142770.3); c.4388+2207G>C (NM_001142771.2); c.4388+4464G>C (NM_001354411.2); c.4409+2207G>C (NM_001142769.3); c.4818G>C, p.Gln1606His (NM_001142763.2); c.4803G>C, p.Gln1601His (NM_001142764.2); and 6 more; short protein forms Q1559H, Q1579H, Q1606H, Q1577H, Q1601H, Q1576H, Q1530H, Q1596H.
Identifiers: ClinVar variation 939330 (VCV000939330.3), dbSNP rs563147370, ClinGen allele CA376526557.

ClinVar aggregate classification (germline): Uncertain significance (1 of 4 stars; one submission).

gnomAD v4.1: 1 of 1,614,122 alleles (0.000062%); highest among the groups gnomAD compares: Non-Finnish European, 0.000085%; no homozygotes.

Submission:

Labcorp Genetics (formerly Invitae), Labcorp
Classification: Uncertain significance. Last evaluated: 2021-08-24. Review status: criteria provided, single submitter. Criteria: Invitae Variant Classification Sherloc (09022015). Collection method: clinical testing. Allele origin: germline.
Comment: This sequence change replaces glutamine with histidine at codon 1599 of the PCDH15 protein (p.Gln1599His). The glutamine residue is weakly conserved and there is a small physicochemical difference between glutamine and histidine. This variant is not present in population databases (ExAC no frequency). This variant has not been reported in the literature in individuals affected with PCDH15-related conditions. Algorithms developed to predict the effect of missense changes on protein structure and function output the following: SIFT: "Deleterious"; PolyPhen-2: "Benign"; Align-GVGD: "Class C0". The histidine amino acid residue is found in multiple mammalian species, which suggests that this missense change does not adversely affect protein function. In summary, the available evidence is currently insufficient to determine the role of this variant in disease. Therefore, it has been classified as a Variant of Uncertain Significance.